The following is an entry in ClinVar:

ClinVar aggregate classification (germline): Uncertain significance (1 of 4 stars; one submission).

Submission:

Labcorp Genetics (formerly Invitae), Labcorp
Classification: Uncertain significance. Last evaluated: 2018-08-08. Review status: criteria provided, single submitter. Criteria: Invitae Variant Classification Sherloc (09022015). Collection method: clinical testing. Allele origin: germline.
Comment: This sequence change replaces proline with serine at codon 2655 of the SZT2 protein (p.Pro2655Ser). The proline residue is highly conserved and there is a moderate physicochemical difference between proline and serine. This variant is not present in population databases (ExAC no frequency). This variant has not been reported in the literature in individuals with SZT2-related disease. Algorithms developed to predict the effect of missense changes on protein structure and function (SIFT, PolyPhen-2, Align-GVGD) all suggest that this variant is likely to be disruptive, but these predictions have not been confirmed by published functional studies and their clinical significance is uncertain. In summary, the available evidence is currently insufficient to determine the role of this variant in disease. Therefore, it has been classified as a Variant of Uncertain Significance.

NM_001365999.1(SZT2):c.8134C>T (p.Pro2712Ser)

Gene: SZT2 (SZT2 subunit of KICSTOR complex; plus strand). Cytogenetic location: 1p34.2.
Variant type: single nucleotide variant.
Coding change: c.8134C>T on transcript NM_001365999.1 (MANE Select); coding-DNA position 8134, C replaced by T.
Protein change: p.Pro2712Ser; replaces proline 2712 with serine.
Molecular consequence: missense variant.
Genome position (GRCh38, 1-based): chr1:43,442,601, C>T. VCF-style: chr1-43442601-C-T. GRCh37 (hg19) VCF-style: chr1-43908272-C-T.
Other names: c.7963C>T, p.Pro2655Ser (NM_015284.4); short protein forms P2655S, P2712S.
Identifiers: ClinVar variation 647922 (VCV000647922.1), dbSNP rs1570718513, ClinGen allele CA340037787.